The following is an entry in ClinVar:

NM_138395.4(MARS2):c.1207T>C (p.Leu403=)

Gene: MARS2 (methionyl-tRNA synthetase 2, mitochondrial; plus strand). Cytogenetic location: 2q33.1.
Variant type: single nucleotide variant.
Coding change: c.1207T>C on transcript NM_138395.4 (MANE Select); coding-DNA position 1207, T replaced by C.
Protein change: p.Leu403=; no amino-acid change (leucine 403 retained).
Molecular consequence: synonymous variant.
Genome position (GRCh38, 1-based): chr2:197,706,612, T>C. VCF-style: chr2-197706612-T-C. GRCh37 (hg19) VCF-style: chr2-198571336-T-C.
Identifiers: ClinVar variation 758671 (VCV000758671.11), dbSNP rs374479698, ClinGen allele CA2044709.

ClinVar aggregate classification (germline): Likely benign. Review status: criteria provided, multiple submitters, no conflicts (2 of 4 stars). 3 submissions from 3 submitters: Likely benign (2). 1 of the submissions does not count toward it. Last evaluated 2024-06-05.

Conditions:
MARS2-related disorder. Also called: MARS2-related condition.

Allele frequency attached by ClinVar (database versions not stated): ExAC 0.00003; gnomAD exomes 0.00005 and 0.00022; gnomAD 0.00007 and 0.00008; ESP Exome Variant Server 0.00008; TOPMed 0.00008.
gnomAD v4.1: 320 of 1,614,128 alleles (0.02%); highest among the groups gnomAD compares: Non-Finnish European, 0.026%; no homozygotes.

Submissions (3):

Labcorp Genetics (formerly Invitae), Labcorp
Classification: Likely benign. Last evaluated: 2024-06-05. Review status: criteria provided, single submitter. Criteria: Invitae Variant Classification Sherloc (09022015). Collection method: clinical testing. Allele origin: germline.

GeneDx
Classification: Likely benign. Last evaluated: 2020-07-29. Review status: criteria provided, single submitter. Criteria: GeneDx Variant Classification Process June 2021. Collection method: clinical testing. Allele origin: germline. Affected: yes.

PreventionGenetics, part of Exact Sciences
Classification: Likely benign for MARS2-related condition. Last evaluated: 2019-10-07. Review status: no assertion criteria provided. Collection method: clinical testing. Allele origin: germline. Not counted in ClinVar's aggregate classification.
Comment: This variant is classified as likely benign based on ACMG/AMP sequence variant interpretation guidelines (Richards et al. 2015 PMID: 25741868, with internal and published modifications).